The following is an entry in ClinVar:

NM_006302.3(MOGS):c.1981G>A (p.Ala661Thr)

Gene: MOGS (mannosyl-oligosaccharide glucosidase; minus strand). Cytogenetic location: 2p13.1.
Variant type: single nucleotide variant.
Coding change: c.1981G>A on transcript NM_006302.3 (MANE Select); coding-DNA position 1981, G replaced by A.
Protein change: p.Ala661Thr; replaces alanine 661 with threonine.
Molecular consequence: missense variant.
Genome position (GRCh38, 1-based): chr2:74,461,808, C>T on the plus strand (G>A on the coding strand, the complement: MOGS is on the minus strand). VCF-style: chr2-74461808-C-T. GRCh37 (hg19) VCF-style: chr2-74688935-C-T.
Other names: c.1663G>A, p.Ala555Thr (NM_001146158.2); short protein forms A555T, A661T.
Identifiers: ClinVar variation 841331 (VCV000841331.7), dbSNP rs757907116, ClinGen allele CA1724685.

ClinVar aggregate classification (germline): Uncertain significance (1 of 4 stars; one submission).

Conditions:
MOGS-congenital disorder of glycosylation. Also called: MOGS-CDG; GLUCOSIDASE I DEFICIENCY; CDG IIb; CDG 2B. Identifiers: Orphanet 79330, MedGen C1853736, MONDO:0011629, OMIM 606056.

Allele frequency attached by ClinVar (database versions not stated): gnomAD 0.00001; gnomAD exomes 0.00001 and 0.00006; TOPMed 0.00002; ExAC 0.00004.
gnomAD v4.1: 14 of 1,614,072 alleles (0.00087%); highest among the groups gnomAD compares: East Asian, 0.029%; no homozygotes.

Submission:

Labcorp Genetics (formerly Invitae), Labcorp
Classification: Uncertain significance for MOGS-congenital disorder of glycosylation. Last evaluated: 2022-03-13. Review status: criteria provided, single submitter. Criteria: Invitae Variant Classification Sherloc (09022015). Collection method: clinical testing. Allele origin: germline.
Comment: This sequence change replaces alanine, which is neutral and non-polar, with threonine, which is neutral and polar, at codon 661 of the MOGS protein (p.Ala661Thr). This variant is present in population databases (rs757907116, gnomAD 0.08%). This variant has not been reported in the literature in individuals affected with MOGS-related conditions. ClinVar contains an entry for this variant (Variation ID: 841331). Algorithms developed to predict the effect of missense changes on protein structure and function (SIFT, PolyPhen-2, Align-GVGD) all suggest that this variant is likely to be tolerated. In summary, the available evidence is currently insufficient to determine the role of this variant in disease. Therefore, it has been classified as a Variant of Uncertain Significance.